The following is an entry in ClinVar:

ClinVar aggregate classification (germline): Uncertain significance (1 of 4 stars; one submission).

Submission:

Labcorp Genetics (formerly Invitae), Labcorp
Classification: Uncertain significance. Last evaluated: 2022-04-23. Review status: criteria provided, single submitter. Criteria: Invitae Variant Classification Sherloc (09022015). Collection method: clinical testing. Allele origin: germline.
Comment: This variant is not present in population databases (gnomAD no frequency). This sequence change replaces glutamic acid, which is acidic and polar, with lysine, which is basic and polar, at codon 157 of the TRAF3IP1 protein (p.Glu157Lys). This variant has not been reported in the literature in individuals affected with TRAF3IP1-related conditions. In summary, the available evidence is currently insufficient to determine the role of this variant in disease. Therefore, it has been classified as a Variant of Uncertain Significance. Algorithms developed to predict the effect of missense changes on protein structure and function are either unavailable or do not agree on the potential impact of this missense change (SIFT: "Tolerated"; PolyPhen-2: "Possibly Damaging"; Align-GVGD: "Class C0").

NM_015650.4(TRAF3IP1):c.469G>A (p.Glu157Lys)

Gene: TRAF3IP1 (TRAF3 interacting protein 1; plus strand). Cytogenetic location: 2q37.3.
Variant type: single nucleotide variant.
Coding change: c.469G>A on transcript NM_015650.4 (MANE Select); coding-DNA position 469, G replaced by A.
Protein change: p.Glu157Lys; replaces glutamic acid 157 with lysine.
Molecular consequence: missense variant.
Genome position (GRCh38, 1-based): chr2:238,328,800, G>A. VCF-style: chr2-238328800-G-A. GRCh37 (hg19) VCF-style: chr2-239237441-G-A.
Other names: c.469G>A, p.Glu157Lys (NM_001139490.1); short protein forms E157K.
Identifiers: ClinVar variation 1974281 (VCV001974281.4), dbSNP rs2469613772, ClinGen allele CA351243976.